The following is an entry in ClinVar:

ClinVar aggregate classification (germline): Benign/Likely benign. Review status: criteria provided, multiple submitters, no conflicts (2 of 4 stars). 3 submissions from 3 submitters: Benign (1); Likely benign (2). Last evaluated 2025-09-10.

Conditions:
Hereditary cancer-predisposing syndrome. Also called: Hereditary neoplastic syndrome; Hereditary Cancer Syndrome; Neoplastic Syndromes, Hereditary; Tumor predisposition. Identifiers: Orphanet 140162, MedGen C0027672, MeSH D009386, MONDO:0015356.
Tuberous sclerosis 1 (TSC1). Identifiers: Orphanet 805, MedGen C1854465, MONDO:0008612, OMIM 191100.

gnomAD v4.1: 1 of 1,614,110 alleles (0.000062%); highest among the groups gnomAD compares: South Asian, 0.0011%; no homozygotes.

Submissions (3):

Ambry Genetics
Classification: Likely benign for Hereditary cancer-predisposing syndrome. Last evaluated: 2025-09-10. Review status: criteria provided, single submitter. Criteria: Ambry Variant Classification Scheme 2023. Collection method: clinical testing. Allele origin: germline.

Myriad Genetics, Inc.
Classification: Benign for Tuberous sclerosis 1. Last evaluated: 2025-04-08. Review status: criteria provided, single submitter. Criteria: Myriad Autosomal Dominant, Autosomal Recessive and X-Linked Classification Criteria (2023). Collection method: clinical testing. Allele origin: unknown.
Comment: This variant is considered benign. This variant is a silent/synonymous amino acid change and it is not expected to impact splicing.

Labcorp Genetics (formerly Invitae), Labcorp
Classification: Likely benign for Tuberous sclerosis 1. Last evaluated: 2021-10-04. Review status: criteria provided, single submitter. Criteria: Invitae Variant Classification Sherloc (09022015). Collection method: clinical testing. Allele origin: germline.

NM_000368.5(TSC1):c.657G>A (p.Val219=)

Gene: TSC1 (TSC complex subunit 1; minus strand). Cytogenetic location: 9q34.13.
Variant type: single nucleotide variant.
Coding change: c.657G>A on transcript NM_000368.5 (MANE Select); coding-DNA position 657, G replaced by A.
Protein change: p.Val219=; no amino-acid change (valine 219 retained).
Molecular consequence: synonymous variant.
Genome position (GRCh38, 1-based): chr9:132,921,825, C>T on the plus strand (G>A on the coding strand, the complement: TSC1 is on the minus strand). VCF-style: chr9-132921825-C-T. GRCh37 (hg19) VCF-style: chr9-135797212-C-T.
Other names: c.657G>A (NM_000368.4); c.657G>A, p.Val219= (NM_001162426.2); c.504G>A, p.Val168= (NM_001162427.2); c.294G>A, p.Val98= (NM_001362177.2).
Identifiers: ClinVar variation 1608091 (VCV001608091.10), dbSNP rs755910789, ClinGen allele CA467593766.